The following is an entry in ClinVar:

ClinVar aggregate classification (germline): Likely pathogenic (1 of 4 stars; one submission).

Conditions:
Charcot-Marie-Tooth disease type 2. Also called: Charcot-Marie-Tooth type 2. Identifiers: Orphanet 64746, MedGen C0270914, MONDO:0018993.

Submission:

Labcorp Genetics (formerly Invitae), Labcorp
Classification: Likely pathogenic for Charcot-Marie-Tooth disease type 2. Last evaluated: 2022-11-29. Review status: criteria provided, single submitter. Criteria: Invitae Variant Classification Sherloc (09022015). Collection method: clinical testing. Allele origin: germline.
Comment: This variant disrupts the p.Glu290 amino acid residue in LMNA. Other variant(s) that disrupt this residue have been determined to be pathogenic (PMID: 24503780, 27111165, 29095976, 29367541; Invitae). This suggests that this residue is clinically significant, and that variants that disrupt this residue are likely to be disease-causing. Advanced modeling of protein sequence and biophysical properties (such as structural, functional, and spatial information, amino acid conservation, physicochemical variation, residue mobility, and thermodynamic stability) performed at Invitae indicates that this missense variant is expected to disrupt LMNA protein function. ClinVar contains an entry for this variant (Variation ID: 1025696). This variant has not been reported in the literature in individuals affected with LMNA-related conditions. This variant is not present in population databases (gnomAD no frequency). This sequence change replaces glutamic acid, which is acidic and polar, with valine, which is neutral and non-polar, at codon 290 of the LMNA protein (p.Glu290Val). In summary, the currently available evidence indicates that the variant is pathogenic, but additional data are needed to prove that conclusively. Therefore, this variant has been classified as Likely Pathogenic.

Literature cited by the submitters: PubMed 24503780; PubMed 27111165; PubMed 29095976; PubMed 29367541.

NM_170707.4(LMNA):c.869A>T (p.Glu290Val)

Gene: LMNA (lamin A/C; plus strand). Cytogenetic location: 1q22.
Variant type: single nucleotide variant.
Coding change: c.869A>T on transcript NM_170707.4 (MANE Select); coding-DNA position 869, A replaced by T.
Protein change: p.Glu290Val; replaces glutamic acid 290 with valine.
Molecular consequence: missense variant.
Genome position (GRCh38, 1-based): chr1:156,135,245, A>T. VCF-style: chr1-156135245-A-T. GRCh37 (hg19) VCF-style: chr1-156105036-A-T.
Other names: c.533A>T, p.Glu178Val (NM_001257374.3); c.626A>T, p.Glu209Val (NM_001282624.2); c.869A>T, p.Glu290Val (NM_001282625.2, NM_001282626.2, NM_005572.4 and 1 more transcripts); short protein forms E178V, E209V, E290V.
Identifiers: ClinVar variation 1025696 (VCV001025696.8), dbSNP rs1651453317, ClinGen allele CA342817680.